The following is an entry in ClinVar:

ClinVar aggregate classification (germline): Likely benign. Review status: criteria provided, multiple submitters, no conflicts (2 of 4 stars). 7 submissions from 7 submitters: Likely benign (4). 3 of the submissions do not count toward it. Last evaluated 2025-03-04.

Conditions:
FH-related disorder. Also called: FH-related condition; FH-related disorders.
Hereditary cancer-predisposing syndrome. Also called: Hereditary Cancer Syndrome; Neoplastic Syndromes, Hereditary; Tumor predisposition; Hereditary neoplastic syndrome. Identifiers: Orphanet 140162, MedGen C0027672, MeSH D009386, MONDO:0015356.
Hereditary leiomyomatosis and renal cell cancer. Also called: MULTIPLE CUTANEOUS AND UTERINE LEIOMYOMATA 1, WITH OR WITHOUT RENAL CELL CARCINOMA; Reed syndrome; Multiple cutaneous and uterine leiomyomatosis; Cutaneous leiomyomata with uterine leiomyomata; Leiomyoma, hereditary multiple, of skin; Multiple cutaneous and uterine leiomyomata. Identifiers: Orphanet 523, MedGen C1708350, MONDO:0007888, OMIM 150800, HP:0007437. Disease mechanism: loss of function.

Submissions (7):

Center for Genomic Medicine, Rigshospitalet, Copenhagen University Hospital
Classification: Likely benign. Last evaluated: 2025-03-04. Review status: criteria provided, single submitter. Criteria: ACMG Guidelines, 2015. Collection method: clinical testing. Allele origin: germline.

Department of Pathology and Laboratory Medicine, Sinai Health System
Classification: Likely benign for hereditary leiomyomatosis and renal cell cancer. Last evaluated: 2024-03-11. Review status: criteria provided, single submitter. Criteria: ACMG Guidelines, 2015. Collection method: clinical testing. Allele origin: germline. Affected: yes.

Sema4
Classification: Likely benign for Hereditary cancer-predisposing syndrome. Last evaluated: 2021-03-16. Review status: criteria provided, single submitter. Criteria: Sema4 Curation Guidelines. Collection method: curation. Allele origin: germline.

Ambry Genetics
Classification: Likely benign for Hereditary cancer-predisposing syndrome. Last evaluated: 2014-11-13. Review status: criteria provided, single submitter. Criteria: Ambry Variant Classification Scheme 2023. Collection method: clinical testing. Allele origin: germline.

PreventionGenetics, part of Exact Sciences
Classification: Likely benign for FH-related condition. Last evaluated: 2021-03-03. Review status: no assertion criteria provided. Collection method: clinical testing. Allele origin: germline. Not counted in ClinVar's aggregate classification.
Comment: This variant is classified as likely benign based on ACMG/AMP sequence variant interpretation guidelines (Richards et al. 2015 PMID: 25741868, with internal and published modifications).

Genome Diagnostics Laboratory, Amsterdam University Medical Center
Classification: Likely benign. Review status: no assertion criteria provided. Collection method: clinical testing. Allele origin: germline. Affected: yes. Study: VKGL Data-share Consensus. Not counted in ClinVar's aggregate classification.

Genome Diagnostics Laboratory, University Medical Center Utrecht
Classification: Likely benign. Review status: no assertion criteria provided. Collection method: clinical testing. Allele origin: germline. Affected: yes. Study: VKGL Data-share Consensus. Not counted in ClinVar's aggregate classification.

NM_000143.4(FH):c.1237-50TC[18]

Gene: FH (fumarate hydratase; minus strand). Cytogenetic location: 1q43.
Variant type: Microsatellite.
Coding change: c.1237-50TC[18] on transcript NM_000143.4 (MANE Select); 18 copies in a row of the 2-base unit TC starting at c.1237-50; the reference has 19 copies in a row; one copy, 2 bases deleted.
Molecular consequence: intron variant.
Genome position (GRCh38, 1-based): chr1:241,500,603-241,500,604, GA deleted on the plus strand (TC on the coding strand, the reverse complement: FH is on the minus strand); deleting any 2 consecutive bases within chr1:241,500,603-241,500,640 gives the same sequence; the position shown is the placement nearest the transcript's 3' end. VCF-style (leftmost placement, unchanged base first): chr1-241500602-TGA-T. GRCh37 (hg19) VCF-style: chr1-241663902-TGA-T.
Other names: c.1237-14_1237-13delTC (NM_000143.4).
Identifiers: ClinVar variation 296871 (VCV000296871.20), dbSNP rs144131869, ClinGen allele CA10609925.